The following is an entry in ClinVar:

ClinVar aggregate classification (germline): Uncertain significance (1 of 4 stars; one submission).

Conditions:
Noonan syndrome 9 (NS9). Identifiers: Orphanet 648, MedGen C4225282, MONDO:0014691, OMIM 616559.

Allele frequency attached by ClinVar (database versions not stated): gnomAD exomes below 0.00001.
gnomAD v4.1: 3 of 1,600,172 alleles (0.00019%); highest among the groups gnomAD compares: Non-Finnish European, 0.00026%; no homozygotes.

Submission:

Labcorp Genetics (formerly Invitae), Labcorp
Classification: Uncertain significance for Noonan syndrome 9. Last evaluated: 2024-01-01. Review status: criteria provided, single submitter. Criteria: Invitae Variant Classification Sherloc (09022015). Collection method: clinical testing. Allele origin: germline.
Comment: This sequence change replaces leucine, which is neutral and non-polar, with phenylalanine, which is neutral and non-polar, at codon 56 of the SOS2 protein (p.Leu56Phe). This variant is not present in population databases (gnomAD no frequency). This variant has not been reported in the literature in individuals affected with SOS2-related conditions. Advanced modeling of protein sequence and biophysical properties (such as structural, functional, and spatial information, amino acid conservation, physicochemical variation, residue mobility, and thermodynamic stability) has been performed at Invitae for this missense variant, however the output from this modeling did not meet the statistical confidence thresholds required to predict the impact of this variant on SOS2 protein function. In summary, the available evidence is currently insufficient to determine the role of this variant in disease. Therefore, it has been classified as a Variant of Uncertain Significance.

NM_006939.4(SOS2):c.166C>T (p.Leu56Phe)

Gene: SOS2 (SOS Ras/Rho guanine nucleotide exchange factor 2; minus strand). Cytogenetic location: 14q21.3.
Variant type: single nucleotide variant.
Coding change: c.166C>T on transcript NM_006939.4 (MANE Select); coding-DNA position 166, C replaced by T.
Protein change: p.Leu56Phe; replaces leucine 56 with phenylalanine.
Molecular consequence: missense variant.
Genome position (GRCh38, 1-based): chr14:50,204,331, G>A on the plus strand (C>T on the coding strand, the complement: SOS2 is on the minus strand). VCF-style: chr14-50204331-G-A. GRCh37 (hg19) VCF-style: chr14-50671049-G-A.
Other names: c.166C>T, p.Leu56Phe (NM_001411020.1); short protein forms L56F.
Identifiers: ClinVar variation 2768518 (VCV002768518.3), dbSNP rs2503209483, ClinGen allele CA389651184.